The following is an entry in ClinVar:

NM_001035.3(RYR2):c.2744A>C (p.His915Pro)

Gene: RYR2 (ryanodine receptor 2; plus strand). Cytogenetic location: 1q43.
Variant type: single nucleotide variant.
Coding change: c.2744A>C on transcript NM_001035.3 (MANE Select); coding-DNA position 2744, A replaced by C.
Protein change: p.His915Pro; replaces histidine 915 with proline.
Molecular consequence: missense variant.
Genome position (GRCh38, 1-based): chr1:237,511,713, A>C. VCF-style: chr1-237511713-A-C. GRCh37 (hg19) VCF-style: chr1-237675013-A-C.
Other names: short protein forms H915P.
Identifiers: ClinVar variation 4082688 (VCV004082688.1).

ClinVar aggregate classification (germline): Uncertain significance (1 of 4 stars; one submission).

Submission:

GeneDx
Classification: Uncertain significance. Last evaluated: 2025-03-05. Review status: criteria provided, single submitter. Criteria: GeneDx Variant Classification Process June 2021. Collection method: clinical testing. Allele origin: germline. Affected: yes.
Comment: Not observed at significant frequency in large population cohorts (gnomAD); In silico analysis supports that this missense variant has a deleterious effect on protein structure/function; Has not been previously published as pathogenic or benign to our knowledge; Not located in one of the three hot-spot regions of the RYR2 gene, where the majority of pathogenic missense variants occur (PMID: 19926015); This variant is associated with the following publications: (PMID: 19926015)